The following is an entry in ClinVar:

NM_006757.4(TNNT3):c.101C>T (p.Ala34Val)

Gene: TNNT3 (troponin T3, fast skeletal type; plus strand). Cytogenetic location: 11p15.5.
Variant type: single nucleotide variant.
Coding change: c.101C>T on transcript NM_006757.4 (MANE Select); coding-DNA position 101, C replaced by T.
Protein change: p.Ala34Val; replaces alanine 34 with valine.
Molecular consequence: missense variant. On other transcripts: intron variant (14).
Genome position (GRCh38, 1-based): chr11:1,929,138, C>T. VCF-style: chr11-1929138-C-T. GRCh37 (hg19) VCF-style: chr11-1950368-C-T.
Other names: c.134C>T, p.Ala45Val (NM_001367846.1); c.89C>T, p.Ala30Val (NM_001367849.1); c.83-672C>T (NM_001297646.2, NM_001042780.3, NM_001042782.3 and 2 more transcripts); c.116-672C>T (NM_001363561.2, NM_001367847.1); c.101-672C>T (NM_001042781.3, NM_001367843.1, NM_001367842.1); c.104-672C>T (NM_001367848.1); c.50-672C>T (NM_001367850.1); c.-98-672C>T (NM_001367851.1, NM_001367852.1); short protein forms A34V, A45V, A30V.
Identifiers: ClinVar variation 303969 (VCV000303969.11), dbSNP rs757234740, ClinGen allele CA5816304.
Genomic context (GRCh38, chr11:1,929,138, plus strand): 5'-TTTTCTCTTGCATGTGTGCTTGTGCCTTTTGCCACCTGGAAGACACCGCAGAGGAGGACG[C>T]GGAAGGTAAGGGCCCGTCCCTGCCGCCGGAGGTGCAGGACCCTGGCTCTAGCCGACGCGA-3'
Protein context (NP_006748.1, residues 24-44): EVQEDTAEED[Ala34Val]EEEKPRPKLT

ClinVar aggregate classification (germline): Conflicting classifications of pathogenicity. Review status: criteria provided, conflicting classifications (1 of 4 stars). 3 submissions from 3 submitters: Uncertain significance (2); Likely benign (1). Last evaluated 2025-05-14.

Conditions:
TNNT3-related disorder. Also called: TNNT3-related condition.

Allele frequency attached by ClinVar (database versions not stated): gnomAD exomes 0.00003 and 0.00007; TOPMed 0.00005; ExAC 0.00007; gnomAD 0.00008.
gnomAD v4.1: 60 of 1,612,968 alleles (0.0037%); highest among the groups gnomAD compares: Middle Eastern, 0.016%; no homozygotes.

Submissions (3):

Labcorp Genetics (formerly Invitae), Labcorp
Classification: Uncertain significance. Last evaluated: 2025-05-14. Review status: criteria provided, single submitter. Criteria: Invitae Variant Classification Sherloc (09022015). Collection method: clinical testing. Allele origin: germline.
Comment: This sequence change replaces alanine, which is neutral and non-polar, with valine, which is neutral and non-polar, at codon 34 of the TNNT3 protein (p.Ala34Val). This variant is present in population databases (rs757234740, gnomAD 0.07%), and has an allele count higher than expected for a pathogenic variant. This variant has not been reported in the literature in individuals affected with TNNT3-related conditions. ClinVar contains an entry for this variant (Variation ID: 303969). Experimental studies and prediction algorithms are not available or were not evaluated, and the functional significance of this variant is currently unknown. In summary, the available evidence is currently insufficient to determine the role of this variant in disease. Therefore, it has been classified as a Variant of Uncertain Significance.

PreventionGenetics, part of Exact Sciences
Classification: Likely benign for TNNT3-related condition. Last evaluated: 2025-02-27. Review status: criteria provided, single submitter. Criteria: ACMG Guidelines, 2015. Collection method: clinical testing. Allele origin: germline.
Comment: This variant is classified as likely benign based on ACMG/AMP sequence variant interpretation guidelines (Richards et al. 2015 PMID: 25741868, with internal and published modifications).

Breakthrough Genomics
Classification: Uncertain significance. Review status: criteria provided, single submitter. Criteria: ACMG Guidelines, 2015. Collection method: not provided. Allele origin: germline. Inheritance: Autosomal dominant inheritance. Affected: yes.